The following is an entry in ClinVar:

NM_000548.5(TSC2):c.1179G>T (p.Glu393Asp)

Gene: TSC2 (TSC complex subunit 2; plus strand). Cytogenetic location: 16p13.3.
Variant type: single nucleotide variant.
Coding change: c.1179G>T on transcript NM_000548.5 (MANE Select); coding-DNA position 1179, G replaced by T.
Protein change: p.Glu393Asp; replaces glutamic acid 393 with aspartic acid.
Molecular consequence: missense variant. On other transcripts: 5 prime UTR variant (10), non-coding transcript variant (5).
Genome position (GRCh38, 1-based): chr16:2,061,930, G>T. VCF-style: chr16-2061930-G-T. GRCh37 (hg19) VCF-style: chr16-2111931-G-T.
Other names: c.1179G>T, p.Glu393Asp (NM_001370405.1, NM_001406663.1, NM_001406664.1 and 6 more transcripts); c.1269G>T, p.Glu423Asp (NM_001406667.1, NM_001406668.1); c.1068G>T, p.Glu356Asp (NM_001406670.1, NM_001318827.2, NM_001406678.1); c.1167G>T, p.Glu389Asp (NM_001406671.1, NM_001406673.1); c.1032G>T, p.Glu344Asp (NM_001406675.1, NM_001318829.2, NM_001406676.1 and 1 more transcripts); c.579G>T, p.Glu193Asp (NM_001318831.2, NM_001406680.1, NM_001406682.1 and 6 more transcripts); c.1212G>T, p.Glu404Asp (NM_001318832.2); c.1122G>T, p.Glu374Asp (NM_001406677.1); and 4 more; short protein forms E344D, E423D, E239D, E356D, E389D, E393D, E404D, E193D.
Identifiers: ClinVar variation 5031378 (VCV005031378.1).
Genomic context (GRCh38, chr16:2,061,930, plus strand): 5'-GACCTTGGACAGCCCGGAGCTCAGGACCATCGTCCATGACCTGTTGACCACGGTGGAGGA[G>T]CTGTGTGACCAGAACGAGTTCCACGGGTCTCAGGAGAGATACTTTGAACTGGTGGAGAGA-3'
Protein context (NP_000539.2, residues 383-403): IVHDLLTTVE[Glu393Asp]LCDQNEFHGS

ClinVar aggregate classification (germline): Uncertain significance (1 of 4 stars; one submission).

Conditions:
Hereditary cancer-predisposing syndrome. Also called: Neoplastic Syndromes, Hereditary; Tumor predisposition; Hereditary neoplastic syndrome; Hereditary Cancer Syndrome. Identifiers: Orphanet 140162, MedGen C0027672, MeSH D009386, MONDO:0015356.

Submission:

Ambry Genetics
Classification: Uncertain significance for Hereditary cancer-predisposing syndrome. Last evaluated: 2026-08-08. Review status: criteria provided, single submitter. Criteria: Ambry Variant Classification Scheme 2023. Collection method: clinical testing. Allele origin: germline.
Comment: The p.E393D variant (also known as c.1179G>T), located in coding exon 11 of the TSC2 gene, results from a G to T substitution at nucleotide position 1179. The glutamic acid at codon 393 is replaced by aspartic acid, an amino acid with highly similar properties. This amino acid position is conserved. In addition, the in silico prediction for this alteration is inconclusive. Based on the available evidence, the clinical significance of this variant remains unclear.